The following is an entry in ClinVar:

NM_139076.3(ABRAXAS1):c.64C>T (p.His22Tyr)

Genes: ABRAXAS1 (abraxas 1, BRCA1 A complex subunit; minus strand), LOC129992784 (ATAC-STARR-seq lymphoblastoid silent region 15542; plus strand). Cytogenetic location: 4q21.23.
Variant type: single nucleotide variant.
Coding change: c.64C>T on transcript NM_139076.3 (MANE Select); coding-DNA position 64, C replaced by T.
Protein change: p.His22Tyr; replaces histidine 22 with tyrosine.
Molecular consequence: missense variant. On other transcripts: 5 prime UTR variant (1).
Genome position (GRCh38, 1-based): chr4:83,485,009, G>A on the plus strand (C>T on the coding strand, the complement: ABRAXAS1 is on the minus strand). VCF-style: chr4-83485009-G-A. GRCh37 (hg19) VCF-style: chr4-84406162-G-A.
Other names: c.-197C>T (NM_001345962.2); short protein forms H22Y.
Identifiers: ClinVar variation 496540 (VCV000496540.15), dbSNP rs756786001, ClinGen allele CA2990674.

ClinVar aggregate classification (germline): Uncertain significance. Review status: criteria provided, multiple submitters, no conflicts (2 of 4 stars). 3 submissions from 3 submitters: Uncertain significance (3). Last evaluated 2024-04-16.

Allele frequency attached by ClinVar (database versions not stated): gnomAD 0.00003.
gnomAD v4.1: 9 of 1,594,446 alleles (0.00056%); highest among the groups gnomAD compares: Admixed American, 0.0017%; no homozygotes.

Submissions (3):

Ambry Genetics
Classification: Uncertain significance. Last evaluated: 2024-04-16. Review status: criteria provided, single submitter. Criteria: Ambry Variant Classification Scheme 2023. Collection method: clinical testing. Allele origin: germline.
Comment: The p.H22Y variant (also known as c.64C>T), located in coding exon 1 of the FAM175A gene, results from a C to T substitution at nucleotide position 64. The histidine at codon 22 is replaced by tyrosine, an amino acid with similar properties. This amino acid position is conserved. In addition, the in silico prediction for this alteration is inconclusive. Since supporting evidence is limited at this time, the clinical significance of this alteration remains unclear.

Labcorp Genetics (formerly Invitae), Labcorp
Classification: Uncertain significance. Last evaluated: 2019-09-27. Review status: criteria provided, single submitter. Criteria: Invitae Variant Classification Sherloc (09022015). Collection method: clinical testing. Allele origin: germline.
Comment: In summary, the available evidence is currently insufficient to determine the role of this variant in disease. Therefore, it has been classified as a Variant of Uncertain Significance. Algorithms developed to predict the effect of missense changes on protein structure and function do not agree on the potential impact of this missense change (SIFT: "Deleterious"; PolyPhen-2: "Possibly Damaging"; Align-GVGD: "Class C0"). This variant has not been reported in the literature in individuals with FAM175A-related disease. This variant is present in population databases (rs756786001, ExAC 0.003%). This sequence change replaces histidine with tyrosine at codon 22 of the FAM175A protein (p.His22Tyr). The histidine residue is highly conserved and there is a moderate physicochemical difference between histidine and tyrosine.

Women's Health and Genetics/Laboratory Corporation of America, LabCorp
Classification: Uncertain significance. Last evaluated: 2016-10-28. Review status: criteria provided, single submitter. Criteria: LabCorp Variant Classification Summary - May 2015. Collection method: clinical testing. Allele origin: germline.
Comment: Variant summary: The FAM175A c.64C>T (p.His22Tyr) variant causes a missense change involving a conserved nucleotide with 3/4 in silico tools (SNPs&GO not captured due to low reliability index) predict a damaging outcome for this variant, although these predictions have yet to be functionally assessed. The variant of interest was observed in the large, broad control population, ExAC, with an allele frequency of 2/110492 (1/55248), which does not exceed the estimated maximal expected allele frequency for a pathogenic FAM175A variant of 1/31948. The variant of interest has not, to our knowledge, been reported in affected individuals via publications and/or reputable databases/clinical diagnostic laboratories. Therefore, until additional information becomes available (ie, clinical and functional studies), the variant of interest has been classified as a "Variant of Uncertain Significance (VUS)."